The following is an entry in ClinVar:

NM_020706.2(SCAF4):c.1006C>G (p.Gln336Glu)

Gene: SCAF4 (SR-related CTD associated factor 4; minus strand). Cytogenetic location: 21q22.11.
Variant type: single nucleotide variant.
Coding change: c.1006C>G on transcript NM_020706.2 (MANE Select); coding-DNA position 1006, C replaced by G.
Protein change: p.Gln336Glu; replaces glutamine 336 with glutamic acid.
Molecular consequence: missense variant.
Genome position (GRCh38, 1-based): chr21:31,696,175, G>C on the plus strand (C>G on the coding strand, the complement: SCAF4 is on the minus strand). VCF-style: chr21-31696175-G-C. GRCh37 (hg19) VCF-style: chr21-33068488-G-C.
Other names: c.961C>G, p.Gln321Glu (NM_001145444.1); c.1006C>G, p.Gln336Glu (NM_001145445.1); short protein forms Q321E, Q336E.
Identifiers: ClinVar variation 3359555 (VCV003359555.1).

ClinVar aggregate classification (germline): Uncertain significance (1 of 4 stars; one submission).

Submission:

GeneDx
Classification: Uncertain significance. Last evaluated: 2023-06-05. Review status: criteria provided, single submitter. Criteria: GeneDx Variant Classification Process June 2021. Collection method: clinical testing. Allele origin: germline. Affected: yes.
Comment: Not observed at significant frequency in large population cohorts (gnomAD); In silico analysis supports that this missense variant does not alter protein structure/function; Has not been previously published as pathogenic or benign to our knowledge